The following is an entry in ClinVar:

NM_001367624.2(ZNF469):c.3485G>T (p.Arg1162Leu)

Gene: ZNF469 (zinc finger protein 469; plus strand). Cytogenetic location: 16q24.2.
Variant type: single nucleotide variant.
Coding change: c.3485G>T on transcript NM_001367624.2 (MANE Select); coding-DNA position 3485, G replaced by T.
Protein change: p.Arg1162Leu; replaces arginine 1162 with leucine.
Molecular consequence: missense variant.
Genome position (GRCh38, 1-based): chr16:88,430,955, G>T. VCF-style: chr16-88430955-G-T. GRCh37 (hg19) VCF-style: chr16-88497363-G-T.
Other names: NM_001127464.1:c.3401G>T; p.Arg1162Leu; short protein forms R1162L.
Identifiers: ClinVar variation 320908 (VCV000320908.9), dbSNP rs886052402, ClinGen allele CA10638596.
Genomic context (GRCh38, chr16:88,430,955, plus strand): 5'-CGAGGCAGGAAGCCGGCGGGGACGGAGCCCCCGCGAACCCCGAGGAGCCGGGCGGGTCTC[G>T]CCCGGGCCCCGGCAGGAGCCCTCAGGCCCGTGGCCCGTCTCGAAGCCTGGAGACGGGAGC-3'
Protein context (NP_001354553.1, residues 1152-1172): PANPEEPGGS[Arg1162Leu]PGPGRSPQAR

ClinVar aggregate classification (germline): Uncertain significance. Review status: criteria provided, multiple submitters, no conflicts (2 of 4 stars). 3 submissions from 3 submitters: Uncertain significance (3). Last evaluated 2026-06-25.

Conditions:
Cardiovascular phenotype. Identifiers: MedGen CN230736.

Allele frequency attached by ClinVar (database versions not stated): TOPMed 0.00002; gnomAD 0.00001; gnomAD exomes 0.00001 and 0.00003.
gnomAD v4.1: 10 of 1,535,510 alleles (0.00065%); highest among the groups gnomAD compares: Middle Eastern, 0.019%; no homozygotes.

Submissions (3):

Ambry Genetics
Classification: Uncertain significance for Cardiovascular phenotype. Last evaluated: 2026-06-25. Review status: criteria provided, single submitter. Criteria: Ambry Variant Classification Scheme 2023. Collection method: clinical testing. Allele origin: germline.
Comment: The p.R1134L variant (also known as c.3401G>T), located in coding exon 2 of the ZNF469 gene, results from a G to T substitution at nucleotide position 3401. The arginine at codon 1134 is replaced by leucine, an amino acid with dissimilar properties. This amino acid position is conserved. In addition, this alteration is predicted to be tolerated by in silico analysis. Based on the available evidence, the clinical significance of this variant remains unclear.

Mayo Clinic Laboratories, Mayo Clinic
Classification: Uncertain significance. Last evaluated: 2025-07-31. Review status: criteria provided, single submitter. Criteria: ACMG Guidelines, 2015. Collection method: clinical testing. Allele origin: germline. Observed: 1 variant allele.
Comment: BP4_strong, PM2_supporting

Labcorp Genetics (formerly Invitae), Labcorp
Classification: Uncertain significance. Last evaluated: 2024-04-26. Review status: criteria provided, single submitter. Criteria: Invitae Variant Classification Sherloc (09022015). Collection method: clinical testing. Allele origin: germline.
Comment: This sequence change replaces arginine, which is basic and polar, with leucine, which is neutral and non-polar, at codon 1134 of the ZNF469 protein (p.Arg1134Leu). This variant is present in population databases (no rsID available, gnomAD 0.02%). This variant has not been reported in the literature in individuals affected with ZNF469-related conditions. ClinVar contains an entry for this variant (Variation ID: 320908). An algorithm developed to predict the effect of missense changes on protein structure and function (PolyPhen-2) suggests that this variant is likely to be tolerated. In summary, the available evidence is currently insufficient to determine the role of this variant in disease. Therefore, it has been classified as a Variant of Uncertain Significance.